The following is an entry in ClinVar:

NM_178554.6(KY):c.400+10A>C

Genes: CEP63 (centrosomal protein 63; plus strand), KY (kyphoscoliosis peptidase; minus strand). Cytogenetic location: 3q22.2.
Variant type: single nucleotide variant.
Coding change: c.400+10A>C on transcript NM_178554.6 (MANE Select); 10 bases into the intron after coding-DNA position 400, A replaced by C.
Molecular consequence: intron variant.
Genome position (GRCh38, 1-based): chr3:134,627,746, T>G on the plus strand (A>C on the coding strand, the complement: KY is on the minus strand). VCF-style: chr3-134627746-T-G. GRCh37 (hg19) VCF-style: chr3-134346588-T-G.
Other names: c.352+10A>C (NM_001350859.2); c.337+10A>C (NM_001366276.1); c.274+10A>C (NM_001350860.2); c.400+10A>C (NM_001366277.2).
Identifiers: ClinVar variation 3040714 (VCV003040714.2), dbSNP rs145706524, ClinGen allele CA2629298.

ClinVar aggregate classification (germline): Likely benign (0 of 4 stars; one submission).

Conditions:
KY-related disorder. Also called: KY-related condition.

Allele frequency attached by ClinVar (database versions not stated): gnomAD exomes 0.00006; ExAC 0.00013; TOPMed 0.00043; gnomAD 0.00044; ESP Exome Variant Server 0.00066; 1000 Genomes Project 30x 0.00047; 1000 Genomes Project 0.00060.
gnomAD v4.1: 170 of 1,613,172 alleles (0.011%); highest among the groups gnomAD compares: African/African-American, 0.16%; no homozygotes.

Submission:

PreventionGenetics, part of Exact Sciences
Classification: Likely benign for KY-related condition. Last evaluated: 2019-09-17. Review status: no assertion criteria provided. Collection method: clinical testing. Allele origin: germline.
Comment: This variant is classified as likely benign based on ACMG/AMP sequence variant interpretation guidelines (Richards et al. 2015 PMID: 25741868, with internal and published modifications).